The following is an entry in ClinVar:

ClinVar aggregate classification (germline): Conflicting classifications of pathogenicity. Review status: criteria provided, conflicting classifications (1 of 4 stars). 3 submissions from 3 submitters: Uncertain significance (1); Benign (1); Likely benign (1). Last evaluated 2025-12-29.

Conditions:
Cardiomyopathy (CMYO). Also called: Cardiomyopathies. Identifiers: Orphanet 167848, MedGen C0878544, MONDO:0004994, HP:0001638. Inheritance: Various modes of inheritance.
Lethal congenital glycogen storage disease of heart. Also called: PHOSPHORYLASE KINASE DEFICIENCY OF HEART; GLYCOGEN STORAGE DISEASE OF HEART. Identifiers: Orphanet 439854, MedGen C1849813, MONDO:0009867, OMIM 261740.

Submissions (3):

Labcorp Genetics (formerly Invitae), Labcorp
Classification: Benign for Lethal congenital glycogen storage disease of heart. Last evaluated: 2025-12-29. Review status: criteria provided, single submitter. Criteria: Invitae Variant Classification Sherloc (09022015). Collection method: clinical testing. Allele origin: germline.

CHEO Genetics Diagnostic Laboratory, Children's Hospital of Eastern Ontario
Classification: Uncertain significance for Cardiomyopathy. Last evaluated: 2022-03-01. Review status: criteria provided, single submitter. Criteria: ACMG Guidelines, 2015. Collection method: clinical testing. Allele origin: germline.

GeneDx
Classification: Likely benign. Last evaluated: 2016-01-07. Review status: criteria provided, single submitter. Criteria: GeneDx Variant Classification (06012015). Collection method: clinical testing. Allele origin: germline. Affected: yes.
Comment: This variant is considered likely benign or benign based on one or more of the following criteria: it is a conservative change, it occurs at a poorly conserved position in the protein, it is predicted to be benign by multiple in silico algorithms, and/or has population frequency not consistent with disease.

NM_016203.4(PRKAG2):c.754+13dup

Genes: PRKAG2 (protein kinase AMP-activated non-catalytic subunit gamma 2; minus strand), LOC129999660 (ATAC-STARR-seq lymphoblastoid silent region 18823; plus strand). Cytogenetic location: 7q36.1.
Variant type: Duplication.
Coding change: c.754+13dup on transcript NM_016203.4 (MANE Select); 13 bases into the intron after coding-DNA position 754, one base duplicated (C; older notation c.754+13dupC).
Molecular consequence: intron variant.
Genome position (GRCh38, 1-based): chr7:151,632,056, G duplicated on the plus strand (C on the coding strand, the reverse complement: PRKAG2 is on the minus strand); the first of 4 consecutive G bases (chr7:151,632,056-151,632,059); duplicating any one gives the same sequence. VCF-style (leftmost placement, unchanged base first): chr7-151632055-C-CG. GRCh37 (hg19) VCF-style: chr7-151329141-C-CG.
Other names: c.622+13dup (NM_001040633.2); c.382+13dup (NM_001304527.2, NM_001363698.2); c.31+13dup (NM_001304531.2, NM_024429.2); c.754+13dupC (NM_016203.3); c.754+13dup (NM_016203.3).
Identifiers: ClinVar variation 420238 (VCV000420238.10), dbSNP rs747490039, ClinGen allele CA4577221.